The following is an entry in ClinVar:

ClinVar aggregate classification (germline): Conflicting classifications of pathogenicity. Review status: criteria provided, conflicting classifications (1 of 4 stars). 2 submissions from 2 submitters: Uncertain significance (1); Likely benign (1). Last evaluated 2024-01-30.

Conditions:
Cardiovascular phenotype. Identifiers: MedGen CN230736.
Capillary malformation-arteriovenous malformation syndrome. Also called: Capillary malformation-arteriovenous malformation. Identifiers: Orphanet 137667, MedGen C1842180, MONDO:0012016.

Allele frequency attached by ClinVar (database versions not stated): ExAC 0.00001; TOPMed 0.00001; gnomAD 0.00001.
gnomAD v4.1: 2 of 1,613,244 alleles (0.00012%); highest among the groups gnomAD compares: East Asian, 0.0045%; no homozygotes.

Submissions (2):

Ambry Genetics
Classification: Likely benign for Cardiovascular phenotype. Last evaluated: 2024-01-30. Review status: criteria provided, single submitter. Criteria: Ambry Variant Classification Scheme 2023. Collection method: clinical testing. Allele origin: germline.

Labcorp Genetics (formerly Invitae), Labcorp
Classification: Uncertain significance for Capillary malformation-arteriovenous malformation syndrome. Last evaluated: 2023-05-05. Review status: criteria provided, single submitter. Criteria: Invitae Variant Classification Sherloc (09022015). Collection method: clinical testing. Allele origin: germline.
Comment: In summary, the available evidence is currently insufficient to determine the role of this variant in disease. Therefore, it has been classified as a Variant of Uncertain Significance. An algorithm developed to predict the effect of missense changes on protein structure and function (PolyPhen-2) suggests that this variant is likely to be disruptive. This variant has not been reported in the literature in individuals affected with RASA1-related conditions. This variant is present in population databases (rs768807181, gnomAD 0.02%). This sequence change replaces serine, which is neutral and polar, with cysteine, which is neutral and slightly polar, at codon 880 of the RASA1 protein (p.Ser880Cys).

NM_002890.3(RASA1):c.2639C>G (p.Ser880Cys)

Genes: CCNH (cyclin H; minus strand), RASA1 (RAS p21 protein activator 1; plus strand). Cytogenetic location: 5q14.3.
Variant type: single nucleotide variant.
Coding change: c.2639C>G on transcript NM_002890.3 (MANE Select); coding-DNA position 2639, C replaced by G.
Protein change: p.Ser880Cys; replaces serine 880 with cysteine.
Molecular consequence: missense variant. On other transcripts: intron variant (1).
Genome position (GRCh38, 1-based): chr5:87,380,544, C>G. VCF-style: chr5-87380544-C-G. GRCh37 (hg19) VCF-style: chr5-86676361-C-G.
Other names: c.2108C>G, p.Ser703Cys (NM_022650.3); c.933+14500G>C (NM_001364075.2); short protein forms S703C, S880C.
Identifiers: ClinVar variation 2803723 (VCV002803723.4), dbSNP rs768807181, ClinGen allele CA3336052.